The following is an entry in ClinVar:

NM_024675.4(PALB2):c.557A>G (p.Asn186Ser)

Gene: PALB2 (partner and localizer of BRCA2; minus strand). Cytogenetic location: 16p12.2.
Variant type: single nucleotide variant.
Coding change: c.557A>G on transcript NM_024675.4 (MANE Select); coding-DNA position 557, A replaced by G.
Protein change: p.Asn186Ser; replaces asparagine 186 with serine.
Molecular consequence: missense variant.
Genome position (GRCh38, 1-based): chr16:23,635,989, T>C on the plus strand (A>G on the coding strand, the complement: PALB2 is on the minus strand). VCF-style: chr16-23635989-T-C. GRCh37 (hg19) VCF-style: chr16-23647310-T-C.
Other names: c.557A>G (NM_024675.3); short protein forms N186S.
Identifiers: ClinVar variation 1062064 (VCV001062064.11), dbSNP rs587782164, ClinGen allele CA395136839.

ClinVar aggregate classification (germline): Conflicting classifications of pathogenicity. Review status: criteria provided, conflicting classifications (1 of 4 stars). 2 submissions from 2 submitters: Uncertain significance (1); Likely benign (1). Last evaluated 2025-07-16.

Conditions:
Familial cancer of breast. Also called: Hereditary breast cancer; BREAST CANCER, FAMILIAL; hereditary breast carcinoma. Identifiers: Orphanet 227535, MedGen C0346153, MONDO:0016419, OMIM 114480. Disease mechanism: loss of function.
Hereditary cancer-predisposing syndrome. Also called: Neoplastic Syndromes, Hereditary; Hereditary Cancer Syndrome; Hereditary neoplastic syndrome; Tumor predisposition. Identifiers: Orphanet 140162, MedGen C0027672, MeSH D009386, MONDO:0015356.

Submissions (2):

Labcorp Genetics (formerly Invitae), Labcorp
Classification: Uncertain significance for Familial cancer of breast. Last evaluated: 2025-07-16. Review status: criteria provided, single submitter. Criteria: Invitae Variant Classification Sherloc (09022015). Collection method: clinical testing. Allele origin: germline.
Comment: This sequence change replaces asparagine, which is neutral and polar, with serine, which is neutral and polar, at codon 186 of the PALB2 protein (p.Asn186Ser). This variant is not present in population databases (gnomAD no frequency). This variant has not been reported in the literature in individuals affected with PALB2-related conditions. ClinVar contains an entry for this variant (Variation ID: 1062064). An algorithm developed to predict the effect of missense changes on protein structure and function outputs the following: PolyPhen-2: "Benign". The serine amino acid residue is found in multiple mammalian species, which suggests that this missense change does not adversely affect protein function. In summary, the available evidence is currently insufficient to determine the role of this variant in disease. Therefore, it has been classified as a Variant of Uncertain Significance.

Ambry Genetics
Classification: Likely benign for Hereditary cancer-predisposing syndrome. Last evaluated: 2023-10-27. Review status: criteria provided, single submitter. Criteria: Ambry Variant Classification Scheme 2023. Collection method: clinical testing. Allele origin: germline.